The following is an entry in ClinVar:

ClinVar aggregate classification (germline): Pathogenic. Review status: criteria provided, single submitter (1 of 4 stars). 2 submissions from 2 submitters: Pathogenic (1). 1 of the submissions does not count toward it. Last evaluated 2024-02-07.

Conditions:
Autoinflammatory syndrome, familial, Behcet-like 1 (AIFBL1). Also called: Haploinsufficiency of A20. Identifiers: Orphanet 674762, MedGen C4225218, MONDO:0800045, OMIM 616744.

Submissions (2):

Labcorp Genetics (formerly Invitae), Labcorp
Classification: Pathogenic. Last evaluated: 2024-02-07. Review status: criteria provided, single submitter. Criteria: Invitae Variant Classification Sherloc (09022015). Collection method: clinical testing. Allele origin: germline.
Comment: This sequence change creates a premature translational stop signal (p.Glu305Serfs*3) in the TNFAIP3 gene. It is expected to result in an absent or disrupted protein product. Loss-of-function variants in TNFAIP3 are known to be pathogenic (PMID: 26642243). This variant is not present in population databases (gnomAD no frequency). This premature translational stop signal has been observed in individual(s) with clinical features of TNFAIP3-related conditions (PMID: 32666380). ClinVar contains an entry for this variant (Variation ID: 836614). For these reasons, this variant has been classified as Pathogenic.

OMIM
Classification: Pathogenic for AUTOINFLAMMATORY SYNDROME, FAMILIAL, BEHCET-LIKE 1. Last evaluated: 2022-04-08. Review status: no assertion criteria provided. Collection method: literature only. Allele origin: germline. Not counted in ClinVar's aggregate classification.

Literature cited by the submitters: PubMed 26642243 (cited by Labcorp Genetics (formerly Invitae), Labcorp); PubMed 32666380 (cited by Labcorp Genetics (formerly Invitae), Labcorp and OMIM).

NM_001270508.2(TNFAIP3):c.912del (p.Glu305fs)

Gene: TNFAIP3 (TNF alpha induced protein 3; plus strand). Cytogenetic location: 6q23.3.
Variant type: Deletion.
Coding change: c.912del on transcript NM_001270508.2 (MANE Select); coding-DNA position 912, one base deleted (A; older notation c.912delA).
Protein change: p.Glu305fs; shifts the reading frame from glutamic acid 305.
Molecular consequence: frameshift variant.
Genome position (GRCh38, 1-based): chr6:137,877,182, A deleted; the last of 4 consecutive A bases (chr6:137,877,179-137,877,182); deleting any one gives the same sequence. VCF-style (leftmost placement, unchanged base first): chr6-137877178-TA-T. GRCh37 (hg19) VCF-style: chr6-138198315-TA-T.
Other names: c.912del, p.Glu305fs (NM_001270507.2, NM_006290.4); short protein forms E305fs.
Identifiers: ClinVar variation 836614 (VCV000836614.10), dbSNP rs1776278098, ClinGen allele CA916082905.